The following is an entry in ClinVar:

NM_004489.5(GPS2):c.574C>T (p.Gln192Ter)

Gene: GPS2 (G protein pathway suppressor 2; minus strand). Cytogenetic location: 17p13.1.
Variant type: single nucleotide variant.
Coding change: c.574C>T on transcript NM_004489.5 (MANE Select); coding-DNA position 574, C replaced by T.
Protein change: p.Gln192Ter; replaces glutamine 192 with a stop codon.
Molecular consequence: nonsense.
Genome position (GRCh38, 1-based): chr17:7,313,628, G>A on the plus strand (C>T on the coding strand, the complement: GPS2 is on the minus strand). VCF-style: chr17-7313628-G-A. GRCh37 (hg19) VCF-style: chr17-7216947-G-A.
Other names: short protein forms Q192*.
Identifiers: ClinVar variation 4530527 (VCV004530527.1).
Genomic context (GRCh38, chr17:7,313,628, plus strand): 5'-CTCTGAGCTGCTGACTAGGACTATAAGCTGGCTGTGTGGGCCCATAGTGAGGTGGGGGCT[G>A]AGCAGTCCCATAGGCACCACCAGGACTGCCTTGGAATTGTCCATGCTCTGGTGTCCCTGC-3'

ClinVar aggregate classification (somatic clinical impact): Tier II - Potential (1 of 4 stars; one submission).

Conditions:
Medulloblastoma non-WNT/non-SHH group 4. Identifiers: MedGen C4330666, MONDO:0956967.

Submission:

Institute for Genomic Medicine (IGM) Clinical Laboratory, Nationwide Children's Hospital
Classification: Tier II - Potential for Medulloblastoma non-WNT/non-SHH group 4. Assertion type: diagnostic. Clinical significance: supports diagnosis. Last evaluated: 2025-10-31. Review status: criteria provided, single submitter. Criteria: AMP/ASCO/CAP Guidelines, 2017. Collection method: clinical testing. Allele origin: somatic. Affected: yes.
Comment: Variant has Tier II (potential) clinical significance as a diagnostic inclusion criterion in medulloblastoma non-WNT/non-SHH group 4, based on the following evidence: 1) Documented in one or more cancer databases (e.g., St. Jude Pecan, COSMIC, CIViC, OncoKB). 2) Information in the literature supports potential biologic effect of variant. 3) Assists in diagnosis alone or along with other biomarkers based on small studies or few case reports (Evidence Level D; PMIDs: 22820256, 25030029).

Literature cited by the submitters: PubMed 22820256; PubMed 25030029.